The following is an entry in ClinVar:

NC_000005.10:g.98598184_98603912del

Variant type: Deletion.
Genome position: GRCh38: chr5:98,598,184-98,603,912. GRCh37 (hg19): chr5:97,933,888-97,939,616.
Identifiers: ClinVar variation 156986 (VCV000156986.3), ClinGen allele CA212123.

ClinVar aggregate classification (germline): not provided (0 of 4 stars; one submission).

Conditions:
Normal pregnancy. Identifiers: MedGen C0232989.

Submission:

Institute of Molecular and Cell Biology, University of Tartu
No classification provided. Condition: Normal pregnancy. Review status: no classification provided. Collection method: case-control. Allele origin: unknown. Affected: yes. Study: Kasak2014.
Comment: The study aimed to determine the contribution of copy number variants in the genetic etiology of normal and complicated pregnancies. The samples represented (i) maternal blood DNA drawn from healthy pregnant women during 1st or 2nd trimester and (ii) maternal and paternal blood DNA drawn at term pregnancy cases representing normal and complicated gestations (severe preeclampsia, PE; gestational diabetes, GD; small-for-gestational age newborn, SGA; large-for-gestational age newborn, LGA). We performed CNV calling based on genome-wide genotyping dataset (Illumina HumanOmniExpress-24-v1 BeadChip) by applying three algorithms, QuantiSNP, GADA (Genome Alteration Detection Algorithm) and CNstream in parallel. The acquired CNV calls were merged with HD-CNV (Hotspot Detector for Copy Number Variants) program and only the CNVs predicted by at least two programs, were considered in subsequent analysis.

Literature cited by the submitters: PubMed 25666259.